The following is an entry in ClinVar:

ClinVar aggregate classification (germline): Uncertain significance (1 of 4 stars; one submission).

Allele frequency attached by ClinVar (database versions not stated): gnomAD exomes below 0.00001; TOPMed below 0.00001.
gnomAD v4.1: 1 of 1,609,718 alleles (0.000062%); highest among the groups gnomAD compares: Non-Finnish European, 0.000085%; no homozygotes.

Submission:

Labcorp Genetics (formerly Invitae), Labcorp
Classification: Uncertain significance. Last evaluated: 2022-10-18. Review status: criteria provided, single submitter. Criteria: Invitae Variant Classification Sherloc (09022015). Collection method: clinical testing. Allele origin: germline.
Comment: In summary, the available evidence is currently insufficient to determine the role of this variant in disease. Therefore, it has been classified as a Variant of Uncertain Significance. Algorithms developed to predict the effect of missense changes on protein structure and function are either unavailable or do not agree on the potential impact of this missense change (SIFT: "Not Available"; PolyPhen-2: "Benign"; Align-GVGD: "Not Available"). ClinVar contains an entry for this variant (Variation ID: 1358356). This variant has not been reported in the literature in individuals affected with MYO18B-related conditions. This variant is not present in population databases (gnomAD no frequency). This sequence change replaces methionine, which is neutral and non-polar, with valine, which is neutral and non-polar, at codon 639 of the MYO18B protein (p.Met639Val).

NM_032608.7(MYO18B):c.1915A>G (p.Met639Val)

Gene: MYO18B (myosin XVIIIB; plus strand). Cytogenetic location: 22q12.1.
Variant type: single nucleotide variant.
Coding change: c.1915A>G on transcript NM_032608.7 (MANE Select); coding-DNA position 1915, A replaced by G.
Protein change: p.Met639Val; replaces methionine 639 with valine.
Molecular consequence: missense variant.
Genome position (GRCh38, 1-based): chr22:25,777,628, A>G. VCF-style: chr22-25777628-A-G. GRCh37 (hg19) VCF-style: chr22-26173595-A-G.
Other names: c.1915A>G, p.Met639Val (NM_001318245.2); short protein forms M639V.
Identifiers: ClinVar variation 1358356 (VCV001358356.4), dbSNP rs1320917204, ClinGen allele CA410992706.
Genomic context (GRCh38, chr22:25,777,628, plus strand): 5'-GTGATCTTCCTGCAGGTGCCCAAGGGCCGCCGGGATGGCCTGCCTGCCCACATTGGCTCC[A>G]TGGCACAGCGGGCATACTGGGCGCTGCTGAACCAGCGGAGAGACCAGAGCATTGTGGCCC-3'
Protein context (NP_115997.5, residues 629-649): RDGLPAHIGS[Met639Val]AQRAYWALLN